The following is an entry in ClinVar:

NM_000069.3(CACNA1S):c.799G>C (p.Gly267Arg)

Gene: CACNA1S (calcium voltage-gated channel subunit alpha1 S; minus strand). Cytogenetic location: 1q32.1.
Variant type: single nucleotide variant.
Coding change: c.799G>C on transcript NM_000069.3 (MANE Select); coding-DNA position 799, G replaced by C.
Protein change: p.Gly267Arg; replaces glycine 267 with arginine.
Molecular consequence: missense variant.
Genome position (GRCh38, 1-based): chr1:201,089,359, C>G on the plus strand (G>C on the coding strand, the complement: CACNA1S is on the minus strand). VCF-style: chr1-201089359-C-G. GRCh37 (hg19) VCF-style: chr1-201058487-C-G.
Other names: short protein forms G267R.
Identifiers: ClinVar variation 4756514 (VCV004756514.1).

ClinVar aggregate classification (germline): Uncertain significance (1 of 4 stars; one submission).

Conditions:
Malignant hyperthermia, susceptibility to, 5 (MHS5). Also called: CACNA1S-Related Malignant Hyperthermia Susceptibility. Identifiers: Orphanet 423, MedGen C1866077, MONDO:0011163, OMIM 601887.

Submission:

Color Diagnostics, LLC DBA Color Health
Classification: Uncertain significance for Malignant hyperthermia, susceptibility to, 5. Last evaluated: 2025-09-18. Review status: criteria provided, single submitter. Criteria: ACMG Guidelines, 2015. Collection method: clinical testing. Allele origin: germline.
Comment: This missense variant replaces glycine with arginine at codon 267 of the CACNA1S protein. Computational prediction suggests that this variant may have deleterious impact on protein structure and function. To our knowledge, functional studies have not been reported for this variant. This variant has not been reported in individuals affected with CACNA1S-related disorders in the literature. This variant has not been identified in the general population by the Genome Aggregation Database (gnomAD). The available evidence is insufficient to determine the role of this variant in disease conclusively. Therefore, this variant is classified as a Variant of Uncertain Significance.